The following is an entry in ClinVar:

ClinVar aggregate classification (germline): Uncertain significance (1 of 4 stars; one submission).

Submission:

GeneDx
Classification: Uncertain significance. Last evaluated: 2024-08-28. Review status: criteria provided, single submitter. Criteria: GeneDx Variant Classification Process June 2021. Collection method: clinical testing. Allele origin: germline.
Comment: Not observed at significant frequency in large population cohorts (gnomAD); In silico analysis supports that this missense variant has a deleterious effect on protein structure/function; Has not been previously published as pathogenic or benign to our knowledge

NM_005618.4(DLL1):c.1300G>T (p.Gly434Cys)

Gene: DLL1 (delta like canonical Notch ligand 1; minus strand). Cytogenetic location: 6q27.
Variant type: single nucleotide variant.
Coding change: c.1300G>T on transcript NM_005618.4 (MANE Select); coding-DNA position 1300, G replaced by T.
Protein change: p.Gly434Cys; replaces glycine 434 with cysteine.
Molecular consequence: missense variant.
Genome position (GRCh38, 1-based): chr6:170,283,979, C>A on the plus strand (G>T on the coding strand, the complement: DLL1 is on the minus strand). VCF-style: chr6-170283979-C-A. GRCh37 (hg19) VCF-style: chr6-170593067-C-A.
Other names: short protein forms G434C.
Identifiers: ClinVar variation 1702546 (VCV001702546.3), dbSNP rs762016479, ClinGen allele CA366507564.